The following is an entry in ClinVar:

NM_001267550.2(TTN):c.62011G>A (p.Glu20671Lys)

Genes: TTN (titin; minus strand), TTN-AS1 (TTN antisense RNA 1; plus strand). Cytogenetic location: 2q31.2.
Variant type: single nucleotide variant.
Coding change: c.62011G>A on transcript NM_001267550.2 (MANE Select); coding-DNA position 62011, G replaced by A.
Protein change: p.Glu20671Lys; replaces glutamic acid 20671 with lysine.
Molecular consequence: missense variant.
Genome position (GRCh38, 1-based): chr2:178,589,714, C>T on the plus strand (G>A on the coding strand, the complement: TTN is on the minus strand). VCF-style: chr2-178589714-C-T. GRCh37 (hg19) VCF-style: chr2-179454441-C-T.
Other names: c.57088G>A, p.Glu19030Lys (NM_001256850.1); c.34816G>A, p.Glu11606Lys (NM_003319.4); c.54307G>A, p.Glu18103Lys (NM_133378.4); c.35191G>A, p.Glu11731Lys (NM_133432.3); c.35392G>A, p.Glu11798Lys (NM_133437.4); short protein forms E18103K, E20671K, E11798K, E11606K, E19030K, E11731K.
Identifiers: ClinVar variation 332816 (VCV000332816.25), dbSNP rs770684884, ClinGen allele CA1992282.

ClinVar aggregate classification (germline): Conflicting classifications of pathogenicity. Review status: criteria provided, conflicting classifications (1 of 4 stars). 9 submissions from 5 submitters: Uncertain significance (5); Benign (2); Likely benign (2). Last evaluated 2025-11-21.

Conditions:
Dilated cardiomyopathy 1G (CMD1G). Identifiers: Orphanet 154, MedGen C1858763, MONDO:0011400, OMIM 604145.
Autosomal recessive limb-girdle muscular dystrophy type 2J (LGMDR10). Also called: MUSCULAR DYSTROPHY, LIMB-GIRDLE, AUTOSOMAL RECESSIVE 10; Limb-girdle muscular dystrophy, type 2J. Identifiers: Orphanet 140922, MedGen C1837342, MONDO:0012127, OMIM 608807.
Early-onset myopathy with fatal cardiomyopathy (CMYO5). Also called: CONGENITAL MYOPATHY 5 WITH CARDIOMYOPATHY; Salih Myopathy. Identifiers: Orphanet 289377, MedGen C2673677, MONDO:0012714, OMIM 611705. Disease mechanism: loss of function.
Myopathy, myofibrillar, 9, with early respiratory failure (MFM9). Also called: Myopathy, distal, with early respiratory failure, autosomal dominant; Hereditary myopathy with early respiratory failure; EDSTROM MYOPATHY; MYOPATHY, PROXIMAL, WITH EARLY RESPIRATORY MUSCLE INVOLVEMENT. Identifiers: Orphanet 178464, Orphanet 34521, MedGen C1863599, MONDO:0011362, OMIM 603689.
Tibial muscular dystrophy (TMD). Also called: Udd Distal Myopathy – Tibial Muscular Dystrophy; UDD MYOPATHY; Tibial muscular dystrophy, tardive. Identifiers: Orphanet 609, MedGen C1838244, MONDO:0010870, OMIM 600334.

Allele frequency attached by ClinVar (database versions not stated): gnomAD 0.00002 and 0.00003; gnomAD exomes 0.00004 and 0.00018; TOPMed 0.00005; ExAC 0.00012.
gnomAD v4.1: 56 of 1,613,418 alleles (0.0035%); highest among the groups gnomAD compares: Admixed American, 0.09%; no homozygotes.

Submissions (9):

Labcorp Genetics (formerly Invitae), Labcorp
Classification: Likely benign for Dilated cardiomyopathy 1G; Autosomal recessive limb-girdle muscular dystrophy type 2J. Last evaluated: 2025-11-21. Review status: criteria provided, single submitter. Criteria: Invitae Variant Classification Sherloc (09022015). Collection method: clinical testing. Allele origin: germline.

Revvity Omics, Revvity
Classification: Uncertain significance. Last evaluated: 2023-07-11. Review status: criteria provided, single submitter. Criteria: ACMG Guidelines, 2015. Collection method: clinical testing. Allele origin: germline.

GeneDx
Classification: Likely benign. Last evaluated: 2021-04-21. Review status: criteria provided, single submitter. Criteria: GeneDx Variant Classification Process June 2021. Collection method: clinical testing. Allele origin: germline. Affected: yes.

ARUP Laboratories, Molecular Genetics and Genomics, ARUP Laboratories
Classification: Uncertain significance. Last evaluated: 2020-10-04. Review status: criteria provided, single submitter. Criteria: ARUP Molecular Germline Variant Investigation Process 2021. Collection method: clinical testing. Allele origin: germline.
Comment: The TTN c.62011G>A; p.Glu20671Lys variant (rs770684884; ClinVar Variation ID: 332816) is rare in the general population (<0.2% allele frequency in the Genome Aggregation Database) and has not been reported in the medical literature in association with dilated cardiomyopathy (DCM) or other TTN-related disease. The clinical relevance of rare missense variants in this gene, which are identified on average once per individual sequenced in affected populations (Herman 2012), is not well understood. Yet, evidence suggests that the vast majority of such missense variants do not contribute to the clinical outcome of DCM (Begay 2015). Thus, the clinical significance of the p.Glu20671Lys variant cannot be determined with certainty. References: Begay RL et al. Role of Titin Missense Variants in Dilated Cardiomyopathy. J Am Heart Assoc. 2015 Nov 13;4(11). Herman DS et al. Truncations of titin causing dilated cardiomyopathy. N Engl J Med. 2012 Feb 16;366(7):619-28. Linke WA and Hamdani N. Gigantic business: titin properties and function through thick and thin. Circ Res 2014; 114(6): 1052-1068.

Illumina Laboratory Services, Illumina
Classification: Benign for Myopathy, myofibrillar, 9, with early respiratory failure. Last evaluated: 2018-01-13. Review status: criteria provided, single submitter. Criteria: ICSL Variant Classification Criteria 13 December 2019. Collection method: clinical testing. Allele origin: germline.
Comment: This variant was observed in the ICSL laboratory as part of a predisposition screen in an ostensibly healthy population. It had not been previously curated by ICSL or reported in the Human Gene Mutation Database (HGMD: prior to June 1st, 2018), and was therefore a candidate for classification through an automated scoring system. Utilizing variant allele frequency, disease prevalence and penetrance estimates, and inheritance mode, an automated score was calculated to assess if this variant is too frequent to cause the disease. Based on the score and internal cut-off values, a variant classified as benign is not then subjected to further curation. The score for this variant resulted in a classification of benign for this disease.

Illumina Laboratory Services, Illumina
Classification: Uncertain significance for Dilated cardiomyopathy 1G. Last evaluated: 2018-01-13. Review status: criteria provided, single submitter. Criteria: ICSL Variant Classification Criteria 13 December 2019. Collection method: clinical testing. Allele origin: germline.

Illumina Laboratory Services, Illumina
Classification: Benign for Tibial muscular dystrophy. Last evaluated: 2018-01-13. Review status: criteria provided, single submitter. Criteria: ICSL Variant Classification Criteria 13 December 2019. Collection method: clinical testing. Allele origin: germline.
Comment: the same text as in the submission from Illumina Laboratory Services, Illumina above.

Illumina Laboratory Services, Illumina
Classification: Uncertain significance for Early-onset myopathy with fatal cardiomyopathy. Last evaluated: 2018-01-13. Review status: criteria provided, single submitter. Criteria: ICSL Variant Classification Criteria 13 December 2019. Collection method: clinical testing. Allele origin: germline.

Illumina Laboratory Services, Illumina
Classification: Uncertain significance for Autosomal recessive limb-girdle muscular dystrophy type 2J. Last evaluated: 2018-01-13. Review status: criteria provided, single submitter. Criteria: ICSL Variant Classification Criteria 13 December 2019. Collection method: clinical testing. Allele origin: germline.